The following is an entry in ClinVar:

NM_007327.4(GRIN1):c.1339+6_1339+7del

Gene: GRIN1 (glutamate ionotropic receptor NMDA type subunit 1; plus strand). Cytogenetic location: 9q34.3.
Variant type: Deletion.
Coding change: c.1339+6_1339+7del on transcript NM_007327.4 (MANE Select); bases 6 to 7 of the intron after coding-DNA position 1339, 2 bases deleted (TG; older notation c.1339+6_1339+7delTG).
Molecular consequence: intron variant.
Genome position (GRCh38, 1-based): chr9:137,161,203-137,161,204, TG deleted; deleting any 2 consecutive bases within chr9:137,161,202-137,161,204 gives the same sequence; the c. name uses the placement nearest the transcript's 3' end. VCF-style (leftmost placement, unchanged base first): chr9-137161201-AGT-A. GRCh37 (hg19) VCF-style: chr9-140055653-AGT-A.
Other names: c.1402+6_1402+7del (NM_001437330.1, NM_001185090.2, NM_001437331.1 and 1 more transcripts); c.1339+6_1339+7del (NM_021569.4, NM_000832.7).
Identifiers: ClinVar variation 5038096 (VCV005038096.1).
Genomic context (GRCh38, chr9:137,161,201, plus strand): 5'-GCGACCCAGTCAAGAAGGTGATCTGCACCGGGCCCAACGACACGTCGCCGGGCAGCCGTG[AGT>A]GCGCGGGGCAGGGCGCGGGGCGCGGGGCAGGGCGCGGGGCGTGGGGCGGTCTGGAGCCCA-3'

ClinVar aggregate classification (germline): Uncertain significance (1 of 4 stars; one submission).

Conditions:
Neurodevelopmental disorder with or without hyperkinetic movements and seizures, autosomal dominant. Also called: Intellectual disability, autosomal dominant 8. Identifiers: MedGen C3280282, MONDO:0013655, OMIM 614254.

Submission:

MVZ Medizinische Genetik Mainz
Classification: Uncertain significance for Neurodevelopmental disorder with or without hyperkinetic movements and seizures, autosomal dominant. Last evaluated: 2025-12-02. Review status: criteria provided, single submitter. Criteria: UK Practice Guidelines For Variant Classification V4 01 2020. Collection method: clinical testing. Allele origin: germline. Inheritance: Autosomal dominant inheritance. Affected: yes. Observed: 1 variant allele.
Comment: ACMG Criteria: PM2_SUP,PP3